The following is an entry in ClinVar:

NM_021625.5(TRPV4):c.1376T>G (p.Leu459Arg)

Gene: TRPV4 (transient receptor potential cation channel subfamily V member 4; minus strand). Cytogenetic location: 12q24.11.
Variant type: single nucleotide variant.
Coding change: c.1376T>G on transcript NM_021625.5 (MANE Select); coding-DNA position 1376, T replaced by G.
Protein change: p.Leu459Arg; replaces leucine 459 with arginine.
Molecular consequence: missense variant.
Genome position (GRCh38, 1-based): chr12:109,794,444, A>C on the plus strand (T>G on the coding strand, the complement: TRPV4 is on the minus strand). VCF-style: chr12-109794444-A-C. GRCh37 (hg19) VCF-style: chr12-110232249-A-C.
Other names: c.1235T>G, p.Leu412Arg (NM_001177428.2); c.1274T>G, p.Leu425Arg (NM_001177431.2); c.1055T>G, p.Leu352Arg (NM_001177433.2); c.1196T>G, p.Leu399Arg (NM_147204.3); short protein forms L459R, L425R, L399R, L412R, L352R.
Identifiers: ClinVar variation 521109 (VCV000521109.13), dbSNP rs201132615, ClinGen allele CA6780259.

ClinVar aggregate classification (germline): Conflicting classifications of pathogenicity. Review status: criteria provided, conflicting classifications (1 of 4 stars). 4 submissions from 4 submitters: Uncertain significance (3); Likely benign (1). Last evaluated 2023-08-30.

Conditions:
Brachyrachia (short spine dysplasia) (BCYM3). Also called: Autosomal dominant brachyolmia; Brachyolmia Type 3; BRACHYRACHIA; Brachyolmia, TRPV4-Related. Identifiers: Orphanet 93304, MedGen C0432227, MONDO:0007232, OMIM 113500.
Spondylometaphyseal dysplasia, Kozlowski type (SMDK). Also called: Dysmorphism arthrogryposis skeletal maturation advanced; Jequier-Kozlowski syndrome; Skeletal dysplasia Jequier-Kozlowski type; SMD Kozlowski type; Spondylometaphyseal Dysplasia, TRPV4-Related (Kozlowski Type). Identifiers: Orphanet 93314, MedGen C0265280, MONDO:0008477, OMIM 184252.
Neuronopathy, distal hereditary motor, autosomal dominant 8. Also called: Autosomal dominant congenital benign spinal muscular atrophy; SPINAL MUSCULAR ATROPHY, CONGENITAL BENIGN, WITH CONTRACTURES; NEURONOPATHY, DISTAL HEREDITARY MOTOR, TYPE VIII; NEUROPATHY, DISTAL HEREDITARY MOTOR, TYPE VIII. Identifiers: Orphanet 1216, MedGen C1838492, MONDO:0010839, OMIM 600175.
Familial digital arthropathy-brachydactyly. Identifiers: Orphanet 85169, MedGen C1847406, MONDO:0011732, OMIM 606835.
Spondyloepimetaphyseal dysplasia, Maroteaux type (SEDM). Also called: PSEUDO-MORQUIO SYNDROME, TYPE 2; Spondyloepimetaphyseal Dysplasia, TRPV4-Related (Maroteaux Type); SED, MAROTEAUX TYPE. Identifiers: Orphanet 263482, MedGen C3159322, MONDO:0008473, OMIM 184095.
Avascular necrosis of femoral head, primary, 2 (ANFH2). Identifiers: MedGen C4479260, MONDO:0054551, OMIM 617383.
Scapuloperoneal spinal muscular atrophy (SPSMA). Also called: Scapuloperoneal spinal muscular atrophy, autosomal dominant; Scapuloperoneal Spinal Muscular Atrophy, TRPV4-Related; AMYOTROPHY, NEUROGENIC SCAPULOPERONEAL, NEW ENGLAND TYPE; Scapuloperoneal Form of Spinal Muscular Atrophy. Identifiers: Orphanet 431255, MedGen C0751335, MONDO:0008408, OMIM 181405.
Sodium serum level quantitative trait locus 1 (SSQTL1). Identifiers: MedGen C3150755, OMIM 613508.
Charcot-Marie-Tooth disease axonal type 2C (HMSN2C). Also called: CHARCOT-MARIE-TOOTH DISEASE, AXONAL, AUTOSOMAL DOMINANT, TYPE 2C; Charcot-Marie-Tooth Neuropathy Type 2C; Charcot-Marie-Tooth Disease Type 2, TRPV4-Related (CMT2C). Identifiers: Orphanet 99937, MedGen C1853710, MONDO:0011633, OMIM 606071.
Metatropic dysplasia (MTD). Also called: Metatropic Dysplasia, TRPV4-Related; METATROPIC DWARFISM; Metatropic dysplasia, nonlethal dominant. Identifiers: Orphanet 2635, MedGen C0265281, MONDO:0007986, OMIM 156530.
Parastremmatic dwarfism. Identifiers: Orphanet 2646, MedGen C1868616, MONDO:0008196, OMIM 168400.
Inborn genetic diseases. Identifiers: MedGen C0950123, MeSH D030342.

Allele frequency attached by ClinVar (database versions not stated): gnomAD exomes 0.00001 and 0.00002; ExAC 0.00002; 1000 Genomes Project 30x 0.00078; TOPMed below 0.00001; gnomAD 0.00002; 1000 Genomes Project 0.00060.
gnomAD v4.1: 14 of 1,614,092 alleles (0.00087%); highest among the groups gnomAD compares: Admixed American, 0.023%; no homozygotes.

Submissions (4):

Labcorp Genetics (formerly Invitae), Labcorp
Classification: Uncertain significance for Charcot-Marie-Tooth disease axonal type 2C. Last evaluated: 2023-08-30. Review status: criteria provided, single submitter. Criteria: Invitae Variant Classification Sherloc (09022015). Collection method: clinical testing. Allele origin: germline.
Comment: In summary, the available evidence is currently insufficient to determine the role of this variant in disease. Therefore, it has been classified as a Variant of Uncertain Significance. Advanced modeling of protein sequence and biophysical properties (such as structural, functional, and spatial information, amino acid conservation, physicochemical variation, residue mobility, and thermodynamic stability) has been performed at Invitae for this missense variant, however the output from this modeling did not meet the statistical confidence thresholds required to predict the impact of this variant on TRPV4 protein function. ClinVar contains an entry for this variant (Variation ID: 521109). This variant has not been reported in the literature in individuals affected with TRPV4-related conditions. This variant is present in population databases (rs201132615, gnomAD 0.006%). This sequence change replaces leucine, which is neutral and non-polar, with arginine, which is basic and polar, at codon 459 of the TRPV4 protein (p.Leu459Arg).

GeneDx
Classification: Uncertain significance. Last evaluated: 2022-11-04. Review status: criteria provided, single submitter. Criteria: GeneDx Variant Classification Process June 2021. Collection method: clinical testing. Allele origin: germline. Affected: yes.
Comment: In silico analysis supports that this missense variant has a deleterious effect on protein structure/function; Has not been previously published as pathogenic or benign to our knowledge

Ambry Genetics
Classification: Likely benign for Inborn genetic diseases. Last evaluated: 2022-03-11. Review status: criteria provided, single submitter. Criteria: Ambry Variant Classification Scheme 2023. Collection method: clinical testing. Allele origin: germline.

Fulgent Genetics
Classification: Uncertain significance for Brachyrachia (short spine dysplasia); Metatropic dysplasia; Parastremmatic dwarfism; Scapuloperoneal spinal muscular atrophy; Spondyloepimetaphyseal dysplasia, Maroteaux type; Spondylometaphyseal dysplasia, Kozlowski type; Neuronopathy, distal hereditary motor, autosomal dominant 8; Charcot-Marie-Tooth disease axonal type 2C; Familial digital arthropathy-brachydactyly; Sodium serum level quantitative trait locus 1; Avascular necrosis of femoral head, primary, 2. Last evaluated: 2018-10-31. Review status: criteria provided, single submitter. Criteria: ACMG Guidelines, 2015. Collection method: clinical testing. Allele origin: unknown.